The following is an entry in ClinVar:

ClinVar aggregate classification (germline): Uncertain significance (1 of 4 stars; one submission).

Conditions:
DNA ligase IV deficiency. Identifiers: Orphanet 99812, MedGen C1847827, MONDO:0011686, OMIM 606593.

Submission:

Labcorp Genetics (formerly Invitae), Labcorp
Classification: Uncertain significance for Lig4 syndrome. Last evaluated: 2019-02-01. Review status: criteria provided, single submitter. Criteria: Invitae Variant Classification Sherloc (09022015). Collection method: clinical testing. Allele origin: germline.
Comment: A gross duplication of the genomic region encompassing the full coding sequence of the LIG4 gene has been identified. The boundaries of this event are unknown as the duplication extends beyond the assayed region for this gene and therefore may encompass additional genes. As the precise location of this duplication is unknown, it may be in tandem or it may be located elsewhere in the genome. Gross duplications of LIG4 have not been reported in the literature in individuals with LIG4-related disease. Experimental studies and prediction algorithms are not available for this variant, and the functional significance of the duplicated amino acid is currently unknown. In summary, the available evidence is currently insufficient to determine the role of this variant in disease. Therefore, it has been classified as a Variant of Uncertain Significance.

NC_000013.10:g.(?_108860861)_(108863636_?)dup

Gene: LIG4 (DNA ligase 4; minus strand). Cytogenetic location: 13q33.3.
Variant type: Duplication.
Identifiers: ClinVar variation 583960 (VCV000583960.2).